The following is an entry in ClinVar:

ClinVar aggregate classification (germline): Pathogenic. Review status: criteria provided, multiple submitters, no conflicts (2 of 4 stars). 3 submissions from 3 submitters: Pathogenic (3). Last evaluated 2024-06-11.

Conditions:
Neurofibromatosis, type 1 (NF1). Also called: VON RECKLINGHAUSEN DISEASE; NEUROFIBROMATOSIS, TYPE I, SOMATIC; Peripheral type neurofibromatosis; Neurofibromatosis, type I. Identifiers: Orphanet 636, MedGen C0027831, MONDO:0018975, OMIM 162200. Disease mechanism: loss of function.

Submissions (3):

Labcorp Genetics (formerly Invitae), Labcorp
Classification: Pathogenic for Neurofibromatosis, type 1. Last evaluated: 2024-06-11. Review status: criteria provided, single submitter. Criteria: Invitae Variant Classification Sherloc (09022015). Collection method: clinical testing. Allele origin: germline.
Comment: This sequence change replaces leucine, which is neutral and non-polar, with proline, which is neutral and non-polar, at codon 194 of the NF1 protein (p.Leu194Pro). This variant is not present in population databases (gnomAD no frequency). This missense change has been observed in individual(s) with neurofibromatosis type 1 (PMID: 27322474; Invitae). In at least one individual the variant was observed to be de novo. ClinVar contains an entry for this variant (Variation ID: 653665). Advanced modeling of protein sequence and biophysical properties (such as structural, functional, and spatial information, amino acid conservation, physicochemical variation, residue mobility, and thermodynamic stability) performed at Invitae indicates that this missense variant is expected to disrupt NF1 protein function with a positive predictive value of 95%. This variant disrupts the p.Leu194 amino acid residue in NF1. Other variant(s) that disrupt this residue have been observed in individuals with NF1-related conditions (PMID: 16380919), which suggests that this may be a clinically significant amino acid residue. For these reasons, this variant has been classified as Pathogenic.

GeneDx
Classification: Pathogenic. Last evaluated: 2024-05-07. Review status: criteria provided, single submitter. Criteria: GeneDx Variant Classification Process June 2021. Collection method: clinical testing. Allele origin: germline. Affected: yes.
Comment: Not observed at significant frequency in large population cohorts (gnomAD); In silico analysis supports that this missense variant has a deleterious effect on protein structure/function; This variant is associated with the following publications: (PMID: 16380919, 27322474)

Juno Genomics, Hangzhou Juno Genomics, Inc
Classification: Pathogenic for Neurofibromatosis, type 1. Review status: criteria provided, single submitter. Criteria: ACMG Guidelines, 2015. Collection method: clinical testing. Allele origin: germline. Affected: yes.
Comment: Multiple lines of computational evidence support a deleterious effect on the gene or gene product (conservation, evolutionary, splicing impact, etc).;Absent from controls (or at extremely low frequency if recessive) in Genome Aggregation Database, Exome Sequencing Project, 1000 Genomes Project, or Exome Aggregation Consortium.;The prevalence of the variant in affected individuals is significantly increased compared to the prevalence in controls.;Assumed de novo, but without confirmation of paternity and maternity.;Patient's phenotype or family history is highly specific for a disease with a single genetic etiology.;Missense variant in a gene that has a low rate of benign missense variation and where missense variants are a common mechanism of disease.;Novel missense change at an amino acid residue where a different missense change determined to be pathogenic has been seen before.

Literature cited by the submitters: PubMed 27322474 (cited by Labcorp Genetics (formerly Invitae), Labcorp); PubMed 16380919 (cited by Labcorp Genetics (formerly Invitae), Labcorp).

NM_001042492.3(NF1):c.581T>C (p.Leu194Pro)

Gene: NF1 (neurofibromin 1; plus strand). Cytogenetic location: 17q11.2.
Variant type: single nucleotide variant.
Coding change: c.581T>C on transcript NM_001042492.3 (MANE Select); coding-DNA position 581, T replaced by C.
Protein change: p.Leu194Pro; replaces leucine 194 with proline.
Molecular consequence: missense variant.
Genome position (GRCh38, 1-based): chr17:31,169,992, T>C. VCF-style: chr17-31169992-T-C. GRCh37 (hg19) VCF-style: chr17-29497010-T-C.
Other names: c.581T>C, p.Leu194Pro (NM_000267.4, NM_001128147.3); short protein forms L194P.
Identifiers: ClinVar variation 653665 (VCV000653665.10), dbSNP rs199474753, ClinGen allele CA398985474.
Genomic context (GRCh38, chr17:31,169,992, plus strand): 5'-TTCATGATATAGAATTGTTACAGTATATCAATGTGGATTGTGCAAAATTAAAACGACTCC[T>C]GAAGGGTAAGTTTAAATGTATAATATATCTGAAAAAAATCACTGGGTCAAAAACTAGTAT-3'
Protein context (NP_001035957.1, residues 184-204): NVDCAKLKRL[Leu194Pro]KETAFKFKAL